The following is an entry in ClinVar:

NM_001041.4(SI):c.4663T>C (p.Ser1555Pro)

Gene: SI (sucrase-isomaltase; minus strand). Cytogenetic location: 3q26.1.
Variant type: single nucleotide variant.
Coding change: c.4663T>C on transcript NM_001041.4 (MANE Select); coding-DNA position 4663, T replaced by C.
Protein change: p.Ser1555Pro; replaces serine 1555 with proline.
Molecular consequence: missense variant.
Genome position (GRCh38, 1-based): chr3:164,996,564, A>G on the plus strand (T>C on the coding strand, the complement: SI is on the minus strand). VCF-style: chr3-164996564-A-G. GRCh37 (hg19) VCF-style: chr3-164714352-A-G.
Other names: short protein forms S1555P.
Identifiers: ClinVar variation 1466563 (VCV001466563.8), dbSNP rs1718020231, ClinGen allele CA355029499.

ClinVar aggregate classification (germline): Uncertain significance (1 of 4 stars; one submission).

Allele frequency attached by ClinVar (database versions not stated): gnomAD exomes below 0.00001.
gnomAD v4.1: 1 of 1,599,154 alleles (0.000063%); no homozygotes.

Submission:

Labcorp Genetics (formerly Invitae), Labcorp
Classification: Uncertain significance. Last evaluated: 2021-05-17. Review status: criteria provided, single submitter. Criteria: Invitae Variant Classification Sherloc (09022015). Collection method: clinical testing. Allele origin: germline.
Comment: In summary, the available evidence is currently insufficient to determine the role of this variant in disease. Therefore, it has been classified as a Variant of Uncertain Significance. Algorithms developed to predict the effect of missense changes on protein structure and function (SIFT, PolyPhen-2, Align-GVGD) all suggest that this variant is likely to be tolerated, but these predictions have not been confirmed by published functional studies and their clinical significance is uncertain. This variant has not been reported in the literature in individuals with SI-related conditions. This variant is not present in population databases (ExAC no frequency). This sequence change replaces serine with proline at codon 1555 of the SI protein (p.Ser1555Pro). The serine residue is moderately conserved and there is a moderate physicochemical difference between serine and proline.